The following is an entry in ClinVar:

NM_004168.4(SDHA):c.1046T>G (p.Leu349Arg)

Gene: SDHA (succinate dehydrogenase complex flavoprotein subunit A; plus strand). Cytogenetic location: 5p15.33.
Variant type: single nucleotide variant.
Coding change: c.1046T>G on transcript NM_004168.4 (MANE Select); coding-DNA position 1046, T replaced by G.
Protein change: p.Leu349Arg; replaces leucine 349 with arginine.
Molecular consequence: missense variant.
Genome position (GRCh38, 1-based): chr5:233,627, T>G. VCF-style: chr5-233627-T-G. GRCh37 (hg19) VCF-style: chr5-233742-T-G.
Other names: c.902T>G, p.Leu301Arg (NM_001294332.2); c.1046T>G, p.Leu349Arg (NM_001330758.2); short protein forms L349R, L301R.
Identifiers: ClinVar variation 3316843 (VCV003316843.1).
Genomic context (GRCh38, chr5:233,627, plus strand): 5'-GATACGCCCCTGTCGCGAAGGACCTGGCGTCTAGAGATGTGGTGTCTCGGTCCATGACTC[T>G]GGAGATCCGAGAAGGAAGGTGCGTGTGATTTACCACCAGCACTGTCTGAGCGGGCACACG-3'
Protein context (NP_004159.2, residues 339-359): SRDVVSRSMT[Leu349Arg]EIREGRGCGP

ClinVar aggregate classification (germline): Uncertain significance (1 of 4 stars; one submission).

Conditions:
Hereditary cancer-predisposing syndrome. Also called: Neoplastic Syndromes, Hereditary; Tumor predisposition; Hereditary neoplastic syndrome; Hereditary Cancer Syndrome. Identifiers: Orphanet 140162, MedGen C0027672, MeSH D009386, MONDO:0015356.

Submission:

Ambry Genetics
Classification: Uncertain significance for Hereditary cancer-predisposing syndrome. Last evaluated: 2024-05-21. Review status: criteria provided, single submitter. Criteria: Ambry Variant Classification Scheme 2023. Collection method: clinical testing. Allele origin: germline.
Comment: The p.L349R variant (also known as c.1046T>G), located in coding exon 8 of the SDHA gene, results from a T to G substitution at nucleotide position 1046. The leucine at codon 349 is replaced by arginine, an amino acid with dissimilar properties. This amino acid position is not well conserved in available vertebrate species. In addition, the in silico prediction for this alteration is inconclusive. Based on the available evidence, the clinical significance of this variant remains unclear.